The following is an entry in ClinVar:

NM_032730.5(RTN4IP1):c.263T>G (p.Val88Gly)

Gene: RTN4IP1 (reticulon 4 interacting protein 1; minus strand). Cytogenetic location: 6q21.
Variant type: single nucleotide variant.
Coding change: c.263T>G on transcript NM_032730.5 (MANE Select); coding-DNA position 263, T replaced by G.
Protein change: p.Val88Gly; replaces valine 88 with glycine.
Molecular consequence: missense variant. On other transcripts: intron variant (1).
Genome position (GRCh38, 1-based): chr6:106,628,759, A>C on the plus strand (T>G on the coding strand, the complement: RTN4IP1 is on the minus strand). VCF-style: chr6-106628759-A-C. GRCh37 (hg19) VCF-style: chr6-107076634-A-C.
Other names: c.-27+1568T>G (NM_001318746.1); short protein forms V88G.
Identifiers: ClinVar variation 916015 (VCV000916015.6), dbSNP rs1776724608, ClinGen allele CA365168366.

ClinVar aggregate classification (germline): Uncertain significance. Review status: criteria provided, multiple submitters, no conflicts (2 of 4 stars). 2 submissions from 2 submitters: Uncertain significance (2). Last evaluated 2025-10-18.

Conditions:
Macrocephaly. Also called: Macrocephalus; large head. Identifiers: MedGen C2243051, HP:0000256.
Global developmental delay (DD). Also called: Cognitive delay. Identifiers: MedGen C0557874, HP:0001263. Disease mechanism: loss of function.
Chorea. Also called: Choreiform movements; Choreatic disease. Identifiers: Orphanet 1429, MedGen C0008489, MONDO:0001595, HP:0002072.
Short stature. Identifiers: MedGen C0349588, HP:0004322.

Submissions (2):

Labcorp Genetics (formerly Invitae), Labcorp
Classification: Uncertain significance. Last evaluated: 2025-10-18. Review status: criteria provided, single submitter. Criteria: Invitae Variant Classification Sherloc (09022015). Collection method: clinical testing. Allele origin: germline.
Comment: This sequence change replaces valine, which is neutral and non-polar, with glycine, which is neutral and non-polar, at codon 88 of the RTN4IP1 protein (p.Val88Gly). This variant is not present in population databases (gnomAD no frequency). This missense change has been observed in individual(s) with optic atrophy (PMID: 33037779). In at least one individual the data is consistent with being in trans (on the opposite chromosome) from a pathogenic variant. ClinVar contains an entry for this variant (Variation ID: 916015). Invitae Evidence Modeling of protein sequence and biophysical properties (such as structural, functional, and spatial information, amino acid conservation, physicochemical variation, residue mobility, and thermodynamic stability) indicates that this missense variant is not expected to disrupt RTN4IP1 protein function with a negative predictive value of 80%. In summary, the available evidence is currently insufficient to determine the role of this variant in disease. Therefore, it has been classified as a Variant of Uncertain Significance.

Broad Center for Mendelian Genomics, Broad Institute of MIT and Harvard
Classification: Uncertain significance for Chorea; Short stature; Macrocephaly; Global developmental delay. Last evaluated: 2020-05-13. Review status: criteria provided, single submitter. Criteria: ACMG Guidelines, 2015. Collection method: research. Allele origin: germline. Inheritance: Autosomal recessive inheritance. Affected: yes.
Comment: This variant was identified in the compound heterozygous state, along with a structural variant of uncertain significance. The p.Val88Gly variant has not been previously reported in individuals with a similar phenotype to this patient and was absent from large population studies. The p.Val88Gly variant is located in a region of RTN4IP1 that is essential to protein folding and stability, suggesting that this variant is in an important functional domain, which supports pathogenicity (this study). In summary, while there is some suspicion for a pathogenic role, the clinical significance of this variant is uncertain. ACMG/AMP Criteria applied: PM2, PM1_supporting (Richards 2015).

Literature cited by the submitters: PubMed 33037779 (cited by Labcorp Genetics (formerly Invitae), Labcorp).